The following is an entry in ClinVar:

NM_000288.4(PEX7):c.778T>A (p.Ser260Thr)

Gene: PEX7 (peroxisomal biogenesis factor 7; plus strand). Cytogenetic location: 6q23.3.
Variant type: single nucleotide variant.
Coding change: c.778T>A on transcript NM_000288.4 (MANE Select); coding-DNA position 778, T replaced by A.
Protein change: p.Ser260Thr; replaces serine 260 with threonine.
Molecular consequence: missense variant.
Genome position (GRCh38, 1-based): chr6:136,872,228, T>A. VCF-style: chr6-136872228-T-A. GRCh37 (hg19) VCF-style: chr6-137193366-T-A.
Other names: c.664T>A, p.Ser222Thr (NM_001410945.1); short protein forms S222T, S260T.
Identifiers: ClinVar variation 2168390 (VCV002168390.4), dbSNP rs2548096603, ClinGen allele CA365764442.

ClinVar aggregate classification (germline): Uncertain significance (1 of 4 stars; one submission).

Conditions:
Peroxisome biogenesis disorder 9B. Also called: PEX7-Related Refsum Disease; PEROXISOME BIOGENESIS DISORDER, PEX7-RELATED, ATYPICAL; Refsum disease, adult, 2. Identifiers: Orphanet 773, MedGen C2749346, MONDO:0013945, OMIM 614879.

Submission:

Labcorp Genetics (formerly Invitae), Labcorp
Classification: Uncertain significance for Peroxisome biogenesis disorder 9B. Last evaluated: 2022-06-20. Review status: criteria provided, single submitter. Criteria: Invitae Variant Classification Sherloc (09022015). Collection method: clinical testing. Allele origin: germline.
Comment: In summary, the available evidence is currently insufficient to determine the role of this variant in disease. Therefore, it has been classified as a Variant of Uncertain Significance. This sequence change replaces serine, which is neutral and polar, with threonine, which is neutral and polar, at codon 260 of the PEX7 protein (p.Ser260Thr). This variant is not present in population databases (gnomAD no frequency). This variant has not been reported in the literature in individuals affected with PEX7-related conditions. Algorithms developed to predict the effect of missense changes on protein structure and function are either unavailable or do not agree on the potential impact of this missense change (SIFT: "Deleterious"; PolyPhen-2: "Benign"; Align-GVGD: "Class C0").